The following is an entry in ClinVar:

ClinVar aggregate classification (germline): Uncertain significance (1 of 4 stars; one submission).

Conditions:
Progressive microcephaly-seizures-cortical blindness-developmental delay syndrome. Also called: Seizures, cortical blindness, and microcephaly syndrome. Identifiers: Orphanet 477814, MedGen C5567650, MONDO:0014714, OMIM 616632.
Autosomal dominant nonsyndromic hearing loss 1. Also called: KONIGSMARK SYNDROME; DEAFNESS, AUTOSOMAL DOMINANT 1, WITH OR WITHOUT THROMBOCYTOPENIA. Identifiers: Orphanet 90635, MedGen C1852282, MONDO:0007424, OMIM 124900.

Allele frequency attached by ClinVar (database versions not stated): ExAC 0.00001; TOPMed 0.00001.
gnomAD v4.1: 5 of 1,613,770 alleles (0.00031%); highest among the groups gnomAD compares: East Asian, 0.0022%; no homozygotes.

Submissions (2):

Labcorp Genetics (formerly Invitae), Labcorp
Classification: Uncertain significance for Progressive microcephaly-seizures-cortical blindness-developmental delay syndrome; Autosomal dominant nonsyndromic hearing loss 1. Last evaluated: 2025-12-23. Review status: criteria provided, single submitter. Criteria: Invitae Variant Classification Sherloc (09022015). Collection method: clinical testing. Allele origin: germline.
Comment: This sequence change replaces lysine, which is basic and polar, with arginine, which is basic and polar, at codon 402 of the DIAPH1 protein (p.Lys402Arg). This variant is present in population databases (rs770912928, gnomAD 0.0009%). This variant has not been reported in the literature in individuals affected with DIAPH1-related conditions. ClinVar contains an entry for this variant (Variation ID: 2932268). Experimental studies and prediction algorithms are not available or were not evaluated, and the functional significance of this variant is currently unknown. Algorithms developed to predict the effect of sequence changes on RNA splicing suggest that this variant may disrupt the consensus splice site. In summary, the available evidence is currently insufficient to determine the role of this variant in disease. Therefore, it has been classified as a Variant of Uncertain Significance.

Dr. Peter K. Rogan Lab, Western University
No classification provided (evidence only). Condition: Nonpapillary renal cell carcinoma. Review status: no classification provided. Collection method: in vitro. Allele origin: not applicable. Functional consequence: retained intron. Not counted in ClinVar's aggregate classification.

NM_005219.5(DIAPH1):c.1205A>G (p.Lys402Arg)

Gene: DIAPH1 (diaphanous related formin 1; minus strand). Cytogenetic location: 5q31.3.
Variant type: single nucleotide variant.
Coding change: c.1205A>G on transcript NM_005219.5 (MANE Select); coding-DNA position 1205, A replaced by G.
Protein change: p.Lys402Arg; replaces lysine 402 with arginine.
Molecular consequence: missense variant.
Genome position (GRCh38, 1-based): chr5:141,577,550, T>C on the plus strand (A>G on the coding strand, the complement: DIAPH1 is on the minus strand). VCF-style: chr5-141577550-T-C. GRCh37 (hg19) VCF-style: chr5-140957117-T-C.
Other names: c.1178A>G, p.Lys393Arg (NM_001079812.3); c.1205A>G, p.Lys402Arg (NM_001314007.2); short protein forms K393R, K402R.
Identifiers: ClinVar variation 2932268 (VCV002932268.4), dbSNP rs770912928, ClinGen allele CA3479352.